The following is an entry in ClinVar:

ClinVar aggregate classification (germline): Uncertain significance (1 of 4 stars; one submission).

Allele frequency attached by ClinVar (database versions not stated): gnomAD 0.00001; ExAC 0.00002.
gnomAD v4.1: 22 of 1,613,838 alleles (0.0014%); highest among the groups gnomAD compares: Middle Eastern, 0.016%; no homozygotes.

Submission:

Labcorp Genetics (formerly Invitae), Labcorp
Classification: Uncertain significance. Last evaluated: 2025-08-24. Review status: criteria provided, single submitter. Criteria: Invitae Variant Classification Sherloc (09022015). Collection method: clinical testing. Allele origin: germline.
Comment: This sequence change replaces proline, which is neutral and non-polar, with alanine, which is neutral and non-polar, at codon 382 of the DDX58 protein (p.Pro382Ala). This variant is present in population databases (rs780631753, gnomAD 0.006%). This variant has not been reported in the literature in individuals affected with DDX58-related conditions. ClinVar contains an entry for this variant (Variation ID: 1475837). Invitae Evidence Modeling of protein sequence and biophysical properties (such as structural, functional, and spatial information, amino acid conservation, physicochemical variation, residue mobility, and thermodynamic stability) indicates that this missense variant is not expected to disrupt DDX58 protein function with a negative predictive value of 80%. In summary, the available evidence is currently insufficient to determine the role of this variant in disease. Therefore, it has been classified as a Variant of Uncertain Significance.

NM_014314.4(RIGI):c.1144C>G (p.Pro382Ala)

Gene: RIGI (RNA sensor RIG-I; minus strand). Cytogenetic location: 9p21.1.
Variant type: single nucleotide variant.
Coding change: c.1144C>G on transcript NM_014314.4 (MANE Select); coding-DNA position 1144, C replaced by G.
Protein change: p.Pro382Ala; replaces proline 382 with alanine.
Molecular consequence: missense variant.
Genome position (GRCh38, 1-based): chr9:32,488,013, G>C on the plus strand (C>G on the coding strand, the complement: RIGI is on the minus strand). VCF-style: chr9-32488013-G-C. GRCh37 (hg19) VCF-style: chr9-32488011-G-C.
Other names: c.1138C>G, p.Pro380Ala (NM_001385907.1); c.1144C>G, p.Pro382Ala (NM_001385909.1); c.703C>G, p.Pro235Ala (NM_001385910.1); c.535C>G, p.Pro179Ala (NM_001385912.1); c.1129C>G, p.Pro377Ala (NM_001385913.1); c.700C>G, p.Pro234Ala (NM_001385914.1); short protein forms P377A, P382A, P179A, P235A, P380A, P234A.
Identifiers: ClinVar variation 1475837 (VCV001475837.8), dbSNP rs780631753, ClinGen allele CA5019909.